The following is an entry in ClinVar:

ClinVar aggregate classification (germline): Benign/Likely benign. Review status: criteria provided, multiple submitters, no conflicts (2 of 4 stars). 15 submissions from 15 submitters: Benign (10); Likely benign (1). 4 of the submissions do not count toward it. Last evaluated 2026-02-04.

Conditions:
Alstrom syndrome (ALMS). Identifiers: Orphanet 64, MedGen C0268425, MONDO:0008763, OMIM 203800.
Monogenic diabetes. Identifiers: Orphanet 183625, MedGen C3888631, MONDO:0015967.
Cardiovascular phenotype. Identifiers: MedGen CN230736.

Allele frequency attached by ClinVar (database versions not stated): 1000 Genomes Project 30x 0.01530; ESP Exome Variant Server 0.02455; TOPMed 0.02651; 1000 Genomes Project 0.01478.
gnomAD v4.1: 49,245 of 1,613,406 alleles (3.1%); highest among the groups gnomAD compares: Middle Eastern, 7%; 953 homozygotes.

Submissions (15):

Labcorp Genetics (formerly Invitae), Labcorp
Classification: Benign for Alstrom syndrome. Last evaluated: 2026-02-04. Review status: criteria provided, single submitter. Criteria: Invitae Variant Classification Sherloc (09022015). Collection method: clinical testing. Allele origin: germline.

ARUP Laboratories, Molecular Genetics and Genomics, ARUP Laboratories
Classification: Benign for Alstrom syndrome. Last evaluated: 2025-07-17. Review status: criteria provided, single submitter. Criteria: ARUP Molecular Germline Variant Investigation Process 2024. Collection method: clinical testing. Allele origin: germline.

CeGaT Center for Human Genetics Tuebingen
Classification: Benign. Last evaluated: 2025-03-01. Review status: criteria provided, single submitter. Criteria: CeGaT Center For Human Genetics Tuebingen Variant Classification Criteria Version 2. Collection method: clinical testing. Allele origin: germline. Affected: yes. Observed: 1 variant allele.
Comment: ALMS1: BP4, BS1, BS2

Blueprint Genetics
Classification: Likely benign. Last evaluated: 2024-11-26. Review status: criteria provided, single submitter. Criteria: ACMG Guidelines, 2015. Collection method: clinical testing. Allele origin: germline.

Personalized Diabetes Medicine Program, University of Maryland School of Medicine
Classification: Benign for Monogenic diabetes. Last evaluated: 2019-02-01. Review status: criteria provided, single submitter. Criteria: ACMG Guidelines, 2015. Collection method: research. Allele origin: unknown. Observed: 28 variant alleles, 28 heterozygotes.
Comment: ACMG criteria: BP4 (Revel score 0.036 and 4 predictors; not using PP3/2 predictors), BA1 (2.6% overall MAF in gnomAD, 7.5% MAF in gnomAD African), BS2 (136 homozygotes in gnomAD), BP1 (missense in gene with truncating known)= benign

Ambry Genetics
Classification: Benign for Cardiovascular phenotype. Last evaluated: 2018-12-31. Review status: criteria provided, single submitter. Criteria: Ambry Variant Classification Scheme 2023. Collection method: clinical testing. Allele origin: germline.

Athena Diagnostics
Classification: Benign. Last evaluated: 2018-12-12. Review status: criteria provided, single submitter. Criteria: Athena Diagnostics Criteria. Collection method: clinical testing. Allele origin: germline.

GeneDx
Classification: Benign. Last evaluated: 2016-10-03. Review status: criteria provided, single submitter. Criteria: GeneDx Variant Classification (06012015). Collection method: clinical testing. Allele origin: germline. Affected: yes.
Comment: This variant is considered likely benign or benign based on one or more of the following criteria: it is a conservative change, it occurs at a poorly conserved position in the protein, it is predicted to be benign by multiple in silico algorithms, and/or has population frequency not consistent with disease.

Laboratory for Molecular Medicine, Mass General Brigham Personalized Medicine
Classification: Benign. Last evaluated: 2016-03-21. Review status: criteria provided, single submitter. Criteria: LMM Criteria. Collection method: clinical testing. Allele origin: germline. Observed: 24 variant alleles.
Comment: p.Ser2100Leu in exon 8 of ALMS1: This variant is not expected to have clinical s ignificance because it has been identified in 3.86% (2511/65072) of European chr omosomes by the Exome Aggregation Consortium (ExAC, rg; dbSNP rs28730854).

Women's Health and Genetics/Laboratory Corporation of America, LabCorp
Classification: Benign. Last evaluated: 2013-05-24. Review status: criteria provided, single submitter. Criteria: LabCorp Variant Classification Summary - May 2015. Collection method: clinical testing. Allele origin: germline.

Breakthrough Genomics
Classification: Benign. Review status: criteria provided, single submitter. Criteria: ACMG Guidelines, 2015. Collection method: not provided. Allele origin: germline. Inheritance: Autosomal recessive inheritance. Affected: yes.

Natera, Inc.
Classification: Benign for Alstrom syndrome. Last evaluated: 2020-09-16. Review status: no assertion criteria provided. Collection method: clinical testing. Allele origin: germline. Not counted in ClinVar's aggregate classification.

Clinical Genetics, Academic Medical Center
Classification: Benign. Review status: no assertion criteria provided. Collection method: clinical testing. Allele origin: germline. Affected: yes. Study: VKGL Data-share Consensus. Not counted in ClinVar's aggregate classification.

Genome Diagnostics Laboratory, University Medical Center Utrecht
Classification: Benign. Review status: no assertion criteria provided. Collection method: clinical testing. Allele origin: germline. Affected: yes. Study: VKGL Data-share Consensus. Not counted in ClinVar's aggregate classification.

Joint Genome Diagnostic Labs from Nijmegen and Maastricht, Radboudumc and MUMC+
Classification: Benign. Review status: no assertion criteria provided. Collection method: clinical testing. Allele origin: germline. Affected: yes. Study: VKGL Data-share Consensus. Not counted in ClinVar's aggregate classification.

NM_001378454.1(ALMS1):c.6302C>T (p.Ser2101Leu)

Gene: ALMS1 (ALMS1 centrosome and basal body associated protein; plus strand). Cytogenetic location: 2p13.1.
Variant type: single nucleotide variant.
Coding change: c.6302C>T on transcript NM_001378454.1 (MANE Select); coding-DNA position 6302, C replaced by T.
Protein change: p.Ser2101Leu; replaces serine 2101 with leucine.
Molecular consequence: missense variant.
Genome position (GRCh38, 1-based): chr2:73,452,829, C>T. VCF-style: chr2-73452829-C-T. GRCh37 (hg19) VCF-style: chr2-73679956-C-T.
Other names: c.6305C>T, p.Ser2102Leu (NM_015120.4); short protein forms S2102L, S2101L.
Identifiers: ClinVar variation 383773 (VCV000383773.39), dbSNP rs28730854, ClinGen allele CA1714042.